The following is an entry in ClinVar:

NM_015559.3(SETBP1):c.3830A>G (p.Asn1277Ser)

Gene: SETBP1 (SET binding protein 1; plus strand). Cytogenetic location: 18q12.3.
Variant type: single nucleotide variant.
Coding change: c.3830A>G on transcript NM_015559.3 (MANE Select); coding-DNA position 3830, A replaced by G.
Protein change: p.Asn1277Ser; replaces asparagine 1277 with serine.
Molecular consequence: missense variant.
Genome position (GRCh38, 1-based): chr18:44,953,170, A>G. VCF-style: chr18-44953170-A-G. GRCh37 (hg19) VCF-style: chr18-42533135-A-G.
Other names: c.3830A>G, p.Asn1277Ser (NM_001379141.1, NM_001379142.1, NM_001410862.1); short protein forms N1277S.
Identifiers: ClinVar variation 2634823 (VCV002634823.1), dbSNP rs2511477444, ClinGen allele CA402325275.

ClinVar aggregate classification (germline): Uncertain significance (1 of 4 stars; one submission).

Conditions:
SETBP1-related disorder. Also called: SETBP1-related condition; SETBP1-related disorders.

Submission:

PreventionGenetics, part of Exact Sciences
Classification: Uncertain significance for SETBP1-related condition. Last evaluated: 2022-09-19. Review status: criteria provided, single submitter. Criteria: ACMG Guidelines, 2015. Collection method: clinical testing. Allele origin: germline.
Comment: The SETBP1 c.3830A>G variant is predicted to result in the amino acid substitution p.Asn1277Ser. To our knowledge, this variant has not been reported in the literature or in a large population database, indicating this variant is rare. At this time, the clinical significance of this variant is uncertain due to the absence of conclusive functional and genetic evidence.